The following is an entry in ClinVar:

NM_001040431.3(COA3):c.287G>A (p.Arg96Gln)

Gene: COA3 (cytochrome c oxidase assembly factor 3; minus strand). Cytogenetic location: 17q21.2.
Variant type: single nucleotide variant.
Coding change: c.287G>A on transcript NM_001040431.3 (MANE Select); coding-DNA position 287, G replaced by A.
Protein change: p.Arg96Gln; replaces arginine 96 with glutamine.
Molecular consequence: missense variant.
Genome position (GRCh38, 1-based): chr17:42,798,095, C>T on the plus strand (G>A on the coding strand, the complement: COA3 is on the minus strand). VCF-style: chr17-42798095-C-T. GRCh37 (hg19) VCF-style: chr17-40950113-C-T.
Other names: c.287G>A (NM_001040431.1); short protein forms R96Q.
Identifiers: ClinVar variation 1904581 (VCV001904581.6), dbSNP rs11546252, ClinGen allele CA8584728.

ClinVar aggregate classification (germline): Uncertain significance. Review status: criteria provided, multiple submitters, no conflicts (2 of 4 stars). 2 submissions from 2 submitters: Uncertain significance (2). Last evaluated 2025-08-24.

Submissions (2):

Ambry Genetics
Classification: Uncertain significance. Last evaluated: 2025-08-24. Review status: criteria provided, single submitter. Criteria: Ambry Variant Classification Scheme 2023. Collection method: clinical testing. Allele origin: germline.

Labcorp Genetics (formerly Invitae), Labcorp
Classification: Uncertain significance. Last evaluated: 2025-02-15. Review status: criteria provided, single submitter. Criteria: Invitae Variant Classification Sherloc (09022015). Collection method: clinical testing. Allele origin: germline.
Comment: This sequence change replaces arginine, which is basic and polar, with glutamine, which is neutral and polar, at codon 96 of the COA3 protein (p.Arg96Gln). This variant is present in population databases (rs11546252, gnomAD 0.06%). This variant has not been reported in the literature in individuals affected with COA3-related conditions. ClinVar contains an entry for this variant (Variation ID: 1904581). Experimental studies and prediction algorithms are not available or were not evaluated, and the functional significance of this variant is currently unknown. In summary, the available evidence is currently insufficient to determine the role of this variant in disease. Therefore, it has been classified as a Variant of Uncertain Significance.